The following is an entry in ClinVar:

NM_000264.5(PTCH1):c.2680G>T (p.Asp894Tyr)

Gene: PTCH1 (patched 1; minus strand). Cytogenetic location: 9q22.32.
Variant type: single nucleotide variant.
Coding change: c.2680G>T on transcript NM_000264.5 (MANE Select); coding-DNA position 2680, G replaced by T.
Protein change: p.Asp894Tyr; replaces aspartic acid 894 with tyrosine.
Molecular consequence: missense variant. On other transcripts: non-coding transcript variant (1).
Genome position (GRCh38, 1-based): chr9:95,461,879, C>A on the plus strand (G>T on the coding strand, the complement: PTCH1 is on the minus strand). VCF-style: chr9-95461879-C-A. GRCh37 (hg19) VCF-style: chr9-98224161-C-A.
Other names: c.2482G>T, p.Asp828Tyr (NM_001083602.3); c.2677G>T, p.Asp893Tyr (NM_001083603.3); c.2227G>T, p.Asp743Tyr (NM_001083604.3, NM_001083605.3, NM_001083606.3 and 1 more transcripts); c.2524G>T, p.Asp842Tyr (NM_001354918.2); short protein forms D828Y, D893Y, D842Y, D743Y, D894Y.
Identifiers: ClinVar variation 3673815 (VCV003673815.3).

ClinVar aggregate classification (germline): Uncertain significance. Review status: criteria provided, multiple submitters, no conflicts (2 of 4 stars). 2 submissions from 2 submitters: Uncertain significance (2). Last evaluated 2025-08-07.

Conditions:
Hereditary cancer-predisposing syndrome. Also called: Hereditary Cancer Syndrome; Tumor predisposition; Hereditary neoplastic syndrome; Neoplastic Syndromes, Hereditary. Identifiers: Orphanet 140162, MedGen C0027672, MeSH D009386, MONDO:0015356.
Gorlin syndrome. Also called: Basal cell nevus syndrome; Nevoid Basal Cell Carcinoma Syndrome. Identifiers: Orphanet 377, MedGen C0004779, MONDO:0007187.

Submissions (2):

Ambry Genetics
Classification: Uncertain significance for Hereditary cancer-predisposing syndrome. Last evaluated: 2025-08-07. Review status: criteria provided, single submitter. Criteria: Ambry Variant Classification Scheme 2023. Collection method: clinical testing. Allele origin: germline.
Comment: The p.D894Y variant (also known as c.2680G>T), located in coding exon 16 of the PTCH1 gene, results from a G to T substitution at nucleotide position 2680. The aspartic acid at codon 894 is replaced by tyrosine, an amino acid with highly dissimilar properties. This amino acid position is not well conserved in available vertebrate species. In addition, the in silico prediction for this alteration is inconclusive. Based on the available evidence, the clinical significance of this variant remains unclear.

Labcorp Genetics (formerly Invitae), Labcorp
Classification: Uncertain significance for Gorlin syndrome. Last evaluated: 2024-05-06. Review status: criteria provided, single submitter. Criteria: Invitae Variant Classification Sherloc (09022015). Collection method: clinical testing. Allele origin: germline.
Comment: This sequence change replaces aspartic acid, which is acidic and polar, with tyrosine, which is neutral and polar, at codon 894 of the PTCH1 protein (p.Asp894Tyr). This variant is not present in population databases (gnomAD no frequency). This variant has not been reported in the literature in individuals affected with PTCH1-related conditions. Advanced modeling of protein sequence and biophysical properties (such as structural, functional, and spatial information, amino acid conservation, physicochemical variation, residue mobility, and thermodynamic stability) performed at Invitae indicates that this missense variant is not expected to disrupt PTCH1 protein function with a negative predictive value of 95%. In summary, the available evidence is currently insufficient to determine the role of this variant in disease. Therefore, it has been classified as a Variant of Uncertain Significance.